The following is an entry in ClinVar:

NM_000465.4(BARD1):c.1932_1933del (p.Val644_Cys645insTer)

Gene: BARD1 (BRCA1 associated RING domain 1; minus strand). Cytogenetic location: 2q35.
Variant type: Deletion.
Coding change: c.1932_1933del on transcript NM_000465.4 (MANE Select); coding-DNA positions 1932 to 1933, 2 bases deleted (AT; older notation c.1932_1933delAT).
Protein change: p.Val644_Cys645insTer.
Molecular consequence: frameshift variant. On other transcripts: non-coding transcript variant (3).
Genome position (GRCh38, 1-based): chr2:214,730,479-214,730,480, AT deleted on the plus strand (AT on the coding strand, the reverse complement: BARD1 is on the minus strand); deleting any 2 consecutive bases within chr2:214,730,479-214,730,481 gives the same sequence; the c. name uses the placement nearest the transcript's 3' end. VCF-style (leftmost placement, unchanged base first): chr2-214730478-CAT-C. GRCh37 (hg19) VCF-style: chr2-215595202-CAT-C.
Other names: c.1875_1876del, p.Val625_Cys626insTer (NM_001282543.2); c.579_580del, p.Val193_Cys194insTer (NM_001282545.2); c.522_523del, p.Val174_Cys175insTer (NM_001282548.2); c.393_394del, p.Val131_Cys132insTer (NM_001282549.2); c.1932_1933del (NM_000465.3).
Identifiers: ClinVar variation 142499 (VCV000142499.33), dbSNP rs587782504, ClinGen allele CA168527.

ClinVar aggregate classification (germline): Pathogenic/Likely pathogenic. Review status: criteria provided, multiple submitters, no conflicts (2 of 4 stars). 12 submissions from 12 submitters: Pathogenic (7); Likely pathogenic (5). Last evaluated 2026-01-19.

Conditions:
Hereditary cancer-predisposing syndrome. Also called: Hereditary Cancer Syndrome; Neoplastic Syndromes, Hereditary; Hereditary neoplastic syndrome; Tumor predisposition. Identifiers: Orphanet 140162, MedGen C0027672, MeSH D009386, MONDO:0015356.
Familial cancer of breast. Also called: BREAST CANCER, FAMILIAL; Hereditary breast cancer; hereditary breast carcinoma. Identifiers: Orphanet 227535, MedGen C0346153, MONDO:0016419, OMIM 114480. Disease mechanism: loss of function.
Malignant tumor of breast. Also called: Malignant breast neoplasm; Cancer breast. Identifiers: MedGen C0006142, MONDO:0007254. Disease mechanism: loss of function.

Submissions (12):

Labcorp Genetics (formerly Invitae), Labcorp
Classification: Pathogenic for Familial cancer of breast. Last evaluated: 2026-01-19. Review status: criteria provided, single submitter. Criteria: Invitae Variant Classification Sherloc (09022015). Collection method: clinical testing. Allele origin: germline.
Comment: This sequence change creates a premature translational stop signal (p.Cys645*) in the BARD1 gene. It is expected to result in an absent or disrupted protein product. Loss-of-function variants in BARD1 are known to be pathogenic (PMID: 20077502, 21344236). This variant is present in population databases (rs587782504, gnomAD 0.007%). This premature translational stop signal has been observed in individual(s) with family history of breast cancer (PMID: 25452441, 26845104). ClinVar contains an entry for this variant (Variation ID: 142499). For these reasons, this variant has been classified as Pathogenic.

Color Diagnostics, LLC DBA Color Health
Classification: Pathogenic for Hereditary cancer-predisposing syndrome. Last evaluated: 2025-06-09. Review status: criteria provided, single submitter. Criteria: ACMG Guidelines, 2015. Collection method: clinical testing. Allele origin: germline.
Comment: This variant deletes 2 nucleotides in exon 10 of the BARD1 gene, creating a frameshift and premature translation stop signal. This variant is expected to result in an absent or non-functional protein product. This variant has been reported in individuals affected with breast and colorectal cancer in the literature (PMID: 25452441, 26845104, 29478780, 39684258). This variant has been identified in 1/31408 chromosomes in the general population by the Genome Aggregation Database (gnomAD). Loss of BARD1 function is a known mechanism of disease. Based on the available evidence, this variant is classified as Pathogenic.

Baylor Genetics
Classification: Pathogenic for Familial cancer of breast. Last evaluated: 2023-11-14. Review status: criteria provided, single submitter. Criteria: ACMG Guidelines, 2015. Collection method: clinical testing. Allele origin: unknown.

Institute of Human Genetics, FAU Erlangen, Friedrich-Alexander-Universität Erlangen-Nürnberg
Classification: Likely pathogenic. Last evaluated: 2023-09-19. Review status: criteria provided, single submitter. Criteria: Hauer et al. (Genet Med. 2018). Collection method: clinical testing. Allele origin: germline. Inheritance: Unknown mechanism. Affected: yes. Observed: 1 variant allele.
Comment: This variant has been identified by standard clinical testing. Selected ACMG criteria: Likely pathogenic (I):PM2;PVS1

Myriad Genetics, Inc.
Classification: Pathogenic for Familial cancer of breast. Last evaluated: 2023-05-25. Review status: criteria provided, single submitter. Criteria: Myriad Autosomal Dominant, Autosomal Recessive and X-Linked Classification Criteria (2023). Collection method: clinical testing. Allele origin: unknown.
Comment: This variant is considered pathogenic. This variant creates a termination codon and is predicted to result in premature protein truncation.

Institute for Clinical Genetics, University Hospital TU Dresden, University Hospital TU Dresden
Classification: Likely pathogenic. Last evaluated: 2023-05-04. Review status: criteria provided, single submitter. Criteria: ACMG Guidelines, 2015. Collection method: clinical testing. Allele origin: germline.
Comment: PVS1, PM2_SUP

Women's Health and Genetics/Laboratory Corporation of America, LabCorp
Classification: Likely pathogenic for Malignant tumor of breast. Last evaluated: 2022-12-05. Review status: criteria provided, single submitter. Criteria: LabCorp Variant Classification Summary - May 2015. Collection method: clinical testing. Allele origin: germline.
Comment: Variant summary: BARD1 c.1932_1933delAT (p.Cys645X) results in a premature termination codon, predicted to cause a truncation of the encoded protein or absence of the protein due to nonsense mediated decay, which are commonly known mechanisms for disease. Truncations downstream of this position have been classified as pathogenic by our laboratory. The variant allele was found at a frequency of 6.6e-06 in 150904 control chromosomes (gnomAD v3.1.2). c.1932_1933delAT has been reported in the literature in individuals affected with breast cancer or colorectal cancer (Couch_2015, Shirt_2016, AlDubayan_2018). These data indicate that the variant may be associated with disease. To our knowledge, no experimental evidence demonstrating an impact on protein function has been reported. Five ClinVar submitters have assessed the variant since 2014: two classified the variant as likely pathogenic and three as pathogenic. Based on the evidence outlined above, the variant was classified as likely pathogenic.

MGZ Medical Genetics Center
Classification: Pathogenic for Familial cancer of breast. Last evaluated: 2022-06-03. Review status: criteria provided, single submitter. Criteria: ACMG Guidelines, 2015. Collection method: clinical testing. Allele origin: germline. Affected: yes. Observed: 1 variant allele.
Comment: ACMG criteria applied: PVS1, PS4_MOD, PM2_SUP

GeneDx
Classification: Likely pathogenic. Last evaluated: 2018-08-21. Review status: criteria provided, single submitter. Criteria: GeneDx Variant Classification (06012015). Collection method: clinical testing. Allele origin: germline. Affected: yes.
Comment: This deletion of two nucleotides is denoted BARD1 c.1932_1933delAT at the cDNA level and p.Cys645Ter (C645X) at the protein level. The normal sequence, with the bases that are deleted in brackets, is AAGT[delAT]GTGA. The deletion creates a nonsense variant, which changes a Cysteine to a premature stop codon (TGT>TGA), and is predicted to cause loss of normal protein function through either protein truncation or nonsense-mediated mRNA decay. BARD1 c.1932_1933delATAT has been reported in an individual with triple negative breast cancer and in an individual with a family history of breast cancer (Couch 2015, Shirts 2016). This variant is considered likely pathogenic.

University of Washington Department of Laboratory Medicine, University of Washington
Classification: Likely pathogenic for Hereditary cancer-predisposing syndrome. Last evaluated: 2015-11-20. Review status: criteria provided, single submitter. Criteria: Shirts et al. (Genet Med 2016). Collection method: clinical testing. Allele origin: germline. Affected: no. Observed: 1 variant allele.

Ambry Genetics
Classification: Pathogenic for Hereditary cancer-predisposing syndrome. Last evaluated: 2014-06-10. Review status: criteria provided, single submitter. Criteria: Ambry Autosomal Dominant and X-Linked criteria (10/2015). Collection method: clinical testing. Allele origin: germline. Observed: 1 variant allele.
Comment: Ã¢â‚¬â€¹<span style="background-color: initial;">The c.1932_1933delAT pathogenic mutation, located in exon 10 of the BARD1 gene, results from a deletion of 2 nucleotides between positions 1932 and 1933, causing a translational frameshift with a predicted alternate stop codon. Since frameshifts are typically deleterious in nature, this alteration is interpreted as a disease-causing mutation (ACMG Recommendations for Standards for Interpretation and Reporting of Sequence Variations. Revision 2007. Genet Med. 2008;10:294).

Hauer Lab, Department Of Pediatric Oncology, Technical University Munich
Classification: Pathogenic for Hereditary cancer-predisposing syndrome. Review status: criteria provided, single submitter. Criteria: ACMG Guidelines, 2015. Collection method: research. Allele origin: germline. Inheritance: Autosomal dominant inheritance. Affected: yes. Observed: 1 variant allele.
Comment: ACMG/AMP, PVS1, PM2, PP5

Literature cited by the submitters: PubMed 20077502 (cited by Labcorp Genetics (formerly Invitae), Labcorp); PubMed 21344236 (cited by Labcorp Genetics (formerly Invitae), Labcorp); PubMed 25452441 (cited by 3 submitters); PubMed 26845104 (cited by 3 submitters); PubMed 29478780 (cited by Color Diagnostics, LLC DBA Color Health and Women's Health and Genetics/Laboratory Corporation of America, LabCorp); PubMed 39684258 (cited by Color Diagnostics, LLC DBA Color Health); PubMed 37149759 (cited by Hauer Lab, Department Of Pediatric Oncology, Technical University Munich).